The following is an entry in ClinVar:

ClinVar aggregate classification (germline): Uncertain significance. Review status: criteria provided, multiple submitters, no conflicts (2 of 4 stars). 2 submissions from 2 submitters: Uncertain significance (2). Last evaluated 2024-12-12.

Conditions:
Inborn genetic diseases. Identifiers: MedGen C0950123, MeSH D030342.
Deafness-lymphedema-leukemia syndrome. Also called: Emberger syndrome; Lymphedema, primary, with myelodysplasia. Identifiers: Orphanet 3226, MedGen C3279664, MONDO:0013540, OMIM 614038.
Monocytopenia with susceptibility to infections. Also called: MONOCYTOPENIA AND MYCOBACTERIAL INFECTION SYNDROME; MONOCYTOPENIA WITH SUSCEPTIBILITY TO MYCOBACTERIAL, FUNGAL, AND PAPILLOMAVIRUS INFECTIONS AND MYELODYSPLASIA; COMBINED IMMUNODEFICIENCY WITH SUSCEPTIBILITY TO MYCOBACTERIAL, VIRAL, AND FUNGAL INFECTIONS; Dendritic cell, monocyte, B lymphocyte, and natural killer lymphocyte deficiency; IMMUNODEFICIENCY 21; GATA2 DEFICIENCY. Identifiers: Orphanet 228423, MedGen C3280030, MONDO:0013607, OMIM 614172.

Allele frequency attached by ClinVar (database versions not stated): gnomAD exomes 0.00001.

Submissions (2):

Ambry Genetics
Classification: Uncertain significance for Inborn genetic diseases. Last evaluated: 2024-12-12. Review status: criteria provided, single submitter. Criteria: Ambry Variant Classification Scheme 2023. Collection method: clinical testing. Allele origin: germline.
Comment: The p.G153E variant (also known as c.458G>A), located in coding exon 2 of the GATA2 gene, results from a G to A substitution at nucleotide position 458. The glycine at codon 153 is replaced by glutamic acid, an amino acid with similar properties. This amino acid position is conserved. In addition, the in silico prediction for this alteration is inconclusive. Based on the available evidence, the clinical significance of this variant remains unclear.

Labcorp Genetics (formerly Invitae), Labcorp
Classification: Uncertain significance for Monocytopenia with susceptibility to infections; Deafness-lymphedema-leukemia syndrome. Last evaluated: 2023-04-07. Review status: criteria provided, single submitter. Criteria: Invitae Variant Classification Sherloc (09022015). Collection method: clinical testing. Allele origin: germline.
Comment: In summary, the available evidence is currently insufficient to determine the role of this variant in disease. Therefore, it has been classified as a Variant of Uncertain Significance. Advanced modeling of protein sequence and biophysical properties (such as structural, functional, and spatial information, amino acid conservation, physicochemical variation, residue mobility, and thermodynamic stability) performed at Invitae indicates that this missense variant is not expected to disrupt GATA2 protein function. ClinVar contains an entry for this variant (Variation ID: 1513386). This variant has not been reported in the literature in individuals affected with GATA2-related conditions. This variant is not present in population databases (gnomAD no frequency). This sequence change replaces glycine, which is neutral and non-polar, with glutamic acid, which is acidic and polar, at codon 153 of the GATA2 protein (p.Gly153Glu).

NM_032638.5(GATA2):c.458G>A (p.Gly153Glu)

Gene: GATA2 (GATA binding protein 2; minus strand). Cytogenetic location: 3q21.3.
Variant type: single nucleotide variant.
Coding change: c.458G>A on transcript NM_032638.5 (MANE Select); coding-DNA position 458, G replaced by A.
Protein change: p.Gly153Glu; replaces glycine 153 with glutamic acid.
Molecular consequence: missense variant.
Genome position (GRCh38, 1-based): chr3:128,486,140, C>T on the plus strand (G>A on the coding strand, the complement: GATA2 is on the minus strand). VCF-style: chr3-128486140-C-T. GRCh37 (hg19) VCF-style: chr3-128204983-C-T.
Other names: c.458G>A, p.Gly153Glu (NM_001145661.2, NM_001145662.1); c.458G>A (NM_032638.4); short protein forms G153E.
Identifiers: ClinVar variation 1513386 (VCV001513386.9), dbSNP rs2107672609, ClinGen allele CA354406712.
Genomic context (GRCh38, chr3:128,486,140, plus strand): 5'-AAGCCGAAAAGGTGGGAGCCAGAGTGGGCTGCTGTAGGGGTGAGGGAGGCCACTGAGCTC[C>T]CGCTGCCTCCCCCGCTCCCACCCCCAGCCCCTGGGTACACAGAGAGTGGGCCTCCAGGGC-3'
Protein context (NP_116027.2, residues 143-163): GAGGGSGGGS[Gly153Glu]SSVASLTPTA